The following is an entry in ClinVar:

NM_025099.6(CTC1):c.1400A>G (p.Tyr467Cys)

Gene: CTC1 (CST telomere replication complex component 1; minus strand). Cytogenetic location: 17p13.1.
Variant type: single nucleotide variant.
Coding change: c.1400A>G on transcript NM_025099.6 (MANE Select); coding-DNA position 1400, A replaced by G.
Protein change: p.Tyr467Cys; replaces tyrosine 467 with cysteine.
Molecular consequence: missense variant. On other transcripts: non-coding transcript variant (1).
Genome position (GRCh38, 1-based): chr17:8,235,092, T>C on the plus strand (A>G on the coding strand, the complement: CTC1 is on the minus strand). VCF-style: chr17-8235092-T-C. GRCh37 (hg19) VCF-style: chr17-8138410-T-C.
Other names: short protein forms Y467C.
Identifiers: ClinVar variation 1414640 (VCV001414640.8), dbSNP rs1987589226, ClinGen allele CA397984525.

ClinVar aggregate classification (germline): Uncertain significance (1 of 4 stars; one submission).

Conditions:
Dyskeratosis congenita. Identifiers: Orphanet 1775, MedGen C0265965, MONDO:0015780.

Allele frequency attached by ClinVar (database versions not stated): gnomAD exomes 0.00001.
gnomAD v4.1: 6 of 1,614,076 alleles (0.00037%); highest among the groups gnomAD compares: East Asian, 0.013%; no homozygotes.

Submission:

Labcorp Genetics (formerly Invitae), Labcorp
Classification: Uncertain significance for Dyskeratosis congenita. Last evaluated: 2023-05-25. Review status: criteria provided, single submitter. Criteria: Invitae Variant Classification Sherloc (09022015). Collection method: clinical testing. Allele origin: germline.
Comment: ClinVar contains an entry for this variant (Variation ID: 1414640). Advanced modeling of protein sequence and biophysical properties (such as structural, functional, and spatial information, amino acid conservation, physicochemical variation, residue mobility, and thermodynamic stability) performed at Invitae indicates that this missense variant is expected to disrupt CTC1 protein function. In summary, the available evidence is currently insufficient to determine the role of this variant in disease. Therefore, it has been classified as a Variant of Uncertain Significance. This variant has not been reported in the literature in individuals affected with CTC1-related conditions. This variant is not present in population databases (gnomAD no frequency). This sequence change replaces tyrosine, which is neutral and polar, with cysteine, which is neutral and slightly polar, at codon 467 of the CTC1 protein (p.Tyr467Cys).